The following is an entry in ClinVar:

NM_018943.3(TUBA8):c.251G>A (p.Arg84His)

Gene: TUBA8 (tubulin alpha 8; plus strand). Cytogenetic location: 22q11.21.
Variant type: single nucleotide variant.
Coding change: c.251G>A on transcript NM_018943.3 (MANE Select); coding-DNA position 251, G replaced by A.
Protein change: p.Arg84His; replaces arginine 84 with histidine.
Molecular consequence: missense variant.
Genome position (GRCh38, 1-based): chr22:18,124,180, G>A. VCF-style: chr22-18124180-G-A. GRCh37 (hg19) VCF-style: chr22-18606947-G-A.
Other names: c.53G>A, p.Arg18His (NM_001193414.2); short protein forms R84H, R18H.
Identifiers: ClinVar variation 432219 (VCV000432219.16), dbSNP rs137904008, ClinGen allele CA10093631.

ClinVar aggregate classification (germline): Benign/Likely benign. Review status: criteria provided, multiple submitters, no conflicts (2 of 4 stars). 3 submissions from 3 submitters: Benign (1); Likely benign (1). 1 of the submissions does not count toward it. Last evaluated 2026-02-02.

Conditions:
TUBA8-related disorder. Also called: TUBA8-related condition.

Allele frequency attached by ClinVar (database versions not stated): gnomAD 0.00021 and 0.00037; gnomAD exomes 0.00022 and 0.00067; ESP Exome Variant Server 0.00038; TOPMed 0.00042; ExAC 0.00073; 1000 Genomes Project 30x 0.00250; 1000 Genomes Project 0.00260.

Submissions (3):

Labcorp Genetics (formerly Invitae), Labcorp
Classification: Benign. Last evaluated: 2026-02-02. Review status: criteria provided, single submitter. Criteria: Invitae Variant Classification Sherloc (09022015). Collection method: clinical testing. Allele origin: germline.

GeneDx
Classification: Likely benign. Last evaluated: 2017-12-14. Review status: criteria provided, single submitter. Criteria: GeneDx Variant Classification Process June 2021. Collection method: clinical testing. Allele origin: germline. Affected: yes.

PreventionGenetics, part of Exact Sciences
Classification: Likely benign for TUBA8-related condition. Last evaluated: 2019-08-01. Review status: no assertion criteria provided. Collection method: clinical testing. Allele origin: germline. Not counted in ClinVar's aggregate classification.
Comment: This variant is classified as likely benign based on ACMG/AMP sequence variant interpretation guidelines (Richards et al. 2015 PMID: 25741868, with internal and published modifications).